The following is an entry in ClinVar:

ClinVar aggregate classification (germline): Likely pathogenic (1 of 4 stars; one submission).

Conditions:
Congenital myasthenic syndrome 4A. Also called: Myasthenic syndrome, congenital, 4a, slow-channel; CONGENITAL MYASTHENIC SYNDROME TYPE Ia1; MYASTHENIC SYNDROME, CONGENITAL, 4A, SLOW-CHANNEL, AUTOSOMAL RECESSIVE. Identifiers: Orphanet 590, MedGen C4225413, MONDO:0011600, OMIM 605809.

Submission:

Labcorp Genetics (formerly Invitae), Labcorp
Classification: Likely pathogenic for Congenital myasthenic syndrome 4A. Last evaluated: 2022-10-23. Review status: criteria provided, single submitter. Criteria: Invitae Variant Classification Sherloc (09022015). Collection method: clinical testing. Allele origin: germline.
Comment: In summary, the currently available evidence indicates that the variant is pathogenic, but additional data are needed to prove that conclusively. Therefore, this variant has been classified as Likely Pathogenic. Algorithms developed to predict the effect of sequence changes on RNA splicing suggest that this variant may disrupt the consensus splice site. This sequence change affects a donor splice site in intron 5 of the CHRNE gene. It is expected to disrupt RNA splicing. Variants that disrupt the donor or acceptor splice site typically lead to a loss of protein function (PMID: 16199547), and loss-of-function variants in CHRNE are known to be pathogenic (PMID: 22678886). This variant is not present in population databases (gnomAD no frequency). This variant has not been reported in the literature in individuals affected with CHRNE-related conditions.

Literature cited by the submitters: PubMed 16199547; PubMed 22678886.

NM_000080.4(CHRNE):c.500+2T>C

Genes: C17orf107 (chromosome 17 open reading frame 107; plus strand), CHRNE (cholinergic receptor nicotinic epsilon subunit; minus strand). Cytogenetic location: 17p13.2.
Variant type: single nucleotide variant.
Coding change: c.500+2T>C on transcript NM_000080.4 (MANE Select); the canonical splice donor site of the intron after coding-DNA position 500, T replaced by C.
Molecular consequence: splice donor variant. On other transcripts: 3 prime UTR variant (1).
Genome position (GRCh38, 1-based): chr17:4,901,930, A>G on the plus strand (T>C on the coding strand, the complement: CHRNE is on the minus strand). VCF-style: chr17-4901930-A-G. GRCh37 (hg19) VCF-style: chr17-4805225-A-G.
Other names: c.*1397A>G (NM_001145536.2).
Identifiers: ClinVar variation 2036581 (VCV002036581.4), dbSNP rs1597621216, ClinGen allele CA397306055.
Genomic context (GRCh38, chr17:4,901,930, plus strand): 5'-CCCCGCCCCATAAGGCCCCCCCCCAACAATAATCGTCCGGGCCTCGGAGTAGCTCTTCCC[A>G]CCGGAAAATAAGCGAACAGTTCTGCCAATCGAAGGGGAAGTAGGTGACCTCCACTGCGCA-3'